The following is an entry in ClinVar:

ClinVar aggregate classification (germline): Conflicting classifications of pathogenicity. Review status: criteria provided, conflicting classifications (1 of 4 stars). 2 submissions from 2 submitters: Likely pathogenic (1); Uncertain significance (1). Last evaluated 2025-06-09.

Conditions:
SCN1A-related disorder. Also called: SCN1A-related disorders; SCN1A-related conditions; SCN1A-related condition.
Generalized epilepsy with febrile seizures plus, type 2 (GEFSP2). Also called: GEFS+, TYPE 2. Identifiers: Orphanet 36387, MedGen C1858673, MONDO:0011461, OMIM 604403.

Submissions (2):

3billion
Classification: Uncertain significance for SCN1A-related disorder. Last evaluated: 2025-06-09. Review status: criteria provided, single submitter. Criteria: ACMG Guidelines, 2015. Collection method: clinical testing. Allele origin: germline. Affected: yes.
Comment: The variant is not observed in the gnomAD v4.1.0 dataset. Predicted Consequence/Location: Intron variant In silico tools predict the variant to alter splicing and produce an abnormal transcript [SpliceAI: 0.77 (>=0.2, moderate evidence for spliceogenicity)]. The variant has been reported to be associated with SCN1A-related disorder (ClinVar ID: VCV000488587). However, the evidence of pathogenicity is insufficient at this time. Therefore, this variant is classified as VUS according to the recommendation of ACMG/AMP guideline.

Institute of Human Genetics Munich, TUM University Hospital
Classification: Likely pathogenic for Generalized epilepsy with febrile seizures plus, type 2. Last evaluated: 2017-12-09. Review status: criteria provided, single submitter. Criteria: Classification criteria August 2017. Collection method: clinical testing. Allele origin: de novo. Inheritance: Autosomal dominant inheritance. Affected: yes. Observed: 1 heterozygote.

NM_001165963.4(SCN1A):c.4476+5G>T

Genes: SCN1A (sodium voltage-gated channel alpha subunit 1; minus strand), LOC102724058 (uncharacterized LOC102724058; plus strand). Cytogenetic location: 2q24.3.
Variant type: single nucleotide variant.
Coding change: c.4476+5G>T on transcript NM_001165963.4 (MANE Select); 5 bases into the intron after coding-DNA position 4476, G replaced by T.
Molecular consequence: intron variant.
Genome position (GRCh38, 1-based): chr2:165,998,033, C>A on the plus strand (G>T on the coding strand, the complement: SCN1A is on the minus strand). VCF-style: chr2-165998033-C-A. GRCh37 (hg19) VCF-style: chr2-166854543-C-A.
Other names: c.4443+5G>T (NM_001353949.2, NM_001353950.2, NM_001353951.2 and 2 more transcripts); c.4392+5G>T (NM_001353958.2, NM_001353957.2, NM_001165964.3); c.4476+5G>T (NM_001202435.3, NM_001353948.2); c.4440+5G>T (NM_001353955.2, NM_001353954.2); c.4389+5G>T (NM_001353960.2); c.2034+5G>T (NM_001353961.2).
Identifiers: ClinVar variation 488587 (VCV000488587.4), dbSNP rs1553522266, ClinGen allele CA658683272.
Genomic context (GRCh38, chr2:165,998,033, plus strand): 5'-CAGAGAAAACACTCCAAGGAATAATTTTCTATCTCAGTGGGAGAGAAAATATTAGAAATA[C>A]TTATCTTCTTTTTCTGCTGGTTGAAATTATCTATGATGACACCAATAAACAGGTTCAAGG-3'